The following is an entry in ClinVar:

NM_005585.5(SMAD6):c.733T>A (p.Cys245Ser)

Gene: SMAD6 (SMAD family member 6; plus strand). Cytogenetic location: 15q22.31.
Variant type: single nucleotide variant.
Coding change: c.733T>A on transcript NM_005585.5 (MANE Select); coding-DNA position 733, T replaced by A.
Protein change: p.Cys245Ser; replaces cysteine 245 with serine.
Molecular consequence: missense variant. On other transcripts: non-coding transcript variant (1).
Genome position (GRCh38, 1-based): chr15:66,703,991, T>A. VCF-style: chr15-66703991-T-A. GRCh37 (hg19) VCF-style: chr15-66996329-T-A.
Other names: short protein forms C245S.
Identifiers: ClinVar variation 4805453 (VCV004805453.1).

ClinVar aggregate classification (germline): Uncertain significance (1 of 4 stars; one submission).

Conditions:
Aortic valve disease 2 (AOVD2). Identifiers: MedGen C3542024, MONDO:0013902, OMIM 614823.

Submission:

Labcorp Genetics (formerly Invitae), Labcorp
Classification: Uncertain significance for Aortic valve disease 2. Last evaluated: 2025-05-08. Review status: criteria provided, single submitter. Criteria: Invitae Variant Classification Sherloc (09022015). Collection method: clinical testing. Allele origin: germline.
Comment: This sequence change replaces cysteine, which is neutral and slightly polar, with serine, which is neutral and polar, at codon 245 of the SMAD6 protein (p.Cys245Ser). This variant is not present in population databases (gnomAD no frequency). This variant has not been reported in the literature in individuals affected with SMAD6-related conditions. Invitae Evidence Modeling of protein sequence and biophysical properties (such as structural, functional, and spatial information, amino acid conservation, physicochemical variation, residue mobility, and thermodynamic stability) indicates that this missense variant is not expected to disrupt SMAD6 protein function with a negative predictive value of 80%. In summary, the available evidence is currently insufficient to determine the role of this variant in disease. Therefore, it has been classified as a Variant of Uncertain Significance.